The following is an entry in ClinVar:

NM_000051.4(ATM):c.8054_8093dup (p.Leu2698delinsPheIleTer)

Genes: ATM (ATM serine/threonine kinase; plus strand), C11orf65 (chromosome 11 open reading frame 65; minus strand). Cytogenetic location: 11q22.3.
Variant type: Duplication.
Coding change: c.8054_8093dup on transcript NM_000051.4 (MANE Select); coding-DNA positions 8054 to 8093, 40 bases duplicated.
Protein change: p.Leu2698delinsPheIleTer.
Molecular consequence: nonsense. On other transcripts: intron variant (2).
Genome position (GRCh38, 1-based): chr11:108,335,012-108,335,051, 40 bases duplicated; duplicating any 40 consecutive bases within chr11:108,335,011-108,335,051 gives the same sequence; the c. name uses the placement nearest the transcript's 3' end. GRCh37 (hg19): chr11:108,205,739-108,205,778.
Other names: c.*38+170_*38+209dup (NM_001351110.2); c.8054_8093dup, p.Leu2698delinsPheIleTer (NM_001351834.2); c.641-25979_641-25940dup (NM_001330368.2).
Identifiers: ClinVar variation 2573306 (VCV002573306.1), dbSNP rs2547329494, ClinGen allele CA2580615063.

ClinVar aggregate classification (germline): Pathogenic (1 of 4 stars; one submission).

Conditions:
Familial cancer of breast. Also called: BREAST CANCER, FAMILIAL; Hereditary breast cancer; hereditary breast carcinoma. Identifiers: Orphanet 227535, MedGen C0346153, MONDO:0016419, OMIM 114480. Disease mechanism: loss of function.

Submission:

Myriad Genetics, Inc.
Classification: Pathogenic for Familial cancer of breast. Last evaluated: 2023-03-01. Review status: criteria provided, single submitter. Criteria: Myriad Autosomal Dominant, Autosomal Recessive and X-Linked Classification Criteria (2023). Collection method: clinical testing. Allele origin: unknown.
Comment: This variant is considered pathogenic. This variant creates a frameshift predicted to result in premature protein truncation.